The following is an entry in ClinVar:

ClinVar aggregate classification (germline): Uncertain significance (1 of 4 stars; one submission).

Conditions:
Growth hormone insensitivity with immune dysregulation 1, autosomal recessive. Also called: GROWTH HORMONE INSENSITIVITY DUE TO POSTRECEPTOR DEFECT; LARON SYNDROME DUE TO POSTRECEPTOR DEFECT; Laron syndrome with immunodeficiency; GROWTH HORMONE INSENSITIVITY SYNDROME WITH IMMUNE DYSREGULATION 1, AUTOSOMAL RECESSIVE. Identifiers: Orphanet 220465, MedGen C5435698, MONDO:0100211, OMIM 245590.

Allele frequency attached by ClinVar (database versions not stated): TOPMed below 0.00001; gnomAD 0.00001.
gnomAD v4.1: 15 of 1,613,990 alleles (0.00093%); highest among the groups gnomAD compares: Non-Finnish European, 0.0012%; no homozygotes.

Submission:

Labcorp Genetics (formerly Invitae), Labcorp
Classification: Uncertain significance for Growth hormone insensitivity with immune dysregulation 1, autosomal recessive. Last evaluated: 2025-04-27. Review status: criteria provided, single submitter. Criteria: Invitae Variant Classification Sherloc (09022015). Collection method: clinical testing. Allele origin: germline.
Comment: This sequence change replaces threonine, which is neutral and polar, with methionine, which is neutral and non-polar, at codon 147 of the STAT5B protein (p.Thr147Met). This variant is not present in population databases (gnomAD no frequency). This variant has not been reported in the literature in individuals affected with STAT5B-related conditions. ClinVar contains an entry for this variant (Variation ID: 658036). Invitae Evidence Modeling of protein sequence and biophysical properties (such as structural, functional, and spatial information, amino acid conservation, physicochemical variation, residue mobility, and thermodynamic stability) indicates that this missense variant is not expected to disrupt STAT5B protein function with a negative predictive value of 80%. In summary, the available evidence is currently insufficient to determine the role of this variant in disease. Therefore, it has been classified as a Variant of Uncertain Significance.

NM_012448.4(STAT5B):c.440C>T (p.Thr147Met)

Gene: STAT5B (signal transducer and activator of transcription 5B; minus strand). Cytogenetic location: 17q21.2.
Variant type: single nucleotide variant.
Coding change: c.440C>T on transcript NM_012448.4 (MANE Select); coding-DNA position 440, C replaced by T.
Protein change: p.Thr147Met; replaces threonine 147 with methionine.
Molecular consequence: missense variant.
Genome position (GRCh38, 1-based): chr17:42,223,492, G>A on the plus strand (C>T on the coding strand, the complement: STAT5B is on the minus strand). VCF-style: chr17-42223492-G-A. GRCh37 (hg19) VCF-style: chr17-40375510-G-A.
Other names: short protein forms T147M.
Identifiers: ClinVar variation 658036 (VCV000658036.11), dbSNP rs768919211, ClinGen allele CA290744834.